The following is an entry in ClinVar:

ClinVar aggregate classification (germline): Uncertain significance (1 of 4 stars; one submission).

Submission:

Labcorp Genetics (formerly Invitae), Labcorp
Classification: Uncertain significance. Last evaluated: 2022-07-26. Review status: criteria provided, single submitter. Criteria: Invitae Variant Classification Sherloc (09022015). Collection method: clinical testing. Allele origin: germline.
Comment: This sequence change replaces alanine, which is neutral and non-polar, with threonine, which is neutral and polar, at codon 98 of the PIGU protein (p.Ala98Thr). This variant is not present in population databases (gnomAD no frequency). This variant has not been reported in the literature in individuals affected with PIGU-related conditions. Algorithms developed to predict the effect of missense changes on protein structure and function are either unavailable or do not agree on the potential impact of this missense change (SIFT: "Tolerated"; PolyPhen-2: "Possibly Damaging"; Align-GVGD: "Class C0"). In summary, the available evidence is currently insufficient to determine the role of this variant in disease. Therefore, it has been classified as a Variant of Uncertain Significance.

NM_080476.5(PIGU):c.292G>A (p.Ala98Thr)

Gene: PIGU (phosphatidylinositol glycan anchor biosynthesis class U; minus strand). Cytogenetic location: 20q11.22.
Variant type: single nucleotide variant.
Coding change: c.292G>A on transcript NM_080476.5 (MANE Select); coding-DNA position 292, G replaced by A.
Protein change: p.Ala98Thr; replaces alanine 98 with threonine.
Molecular consequence: missense variant.
Genome position (GRCh38, 1-based): chr20:34,644,190, C>T on the plus strand (G>A on the coding strand, the complement: PIGU is on the minus strand). VCF-style: chr20-34644190-C-T. GRCh37 (hg19) VCF-style: chr20-33231994-C-T.
Other names: short protein forms A98T.
Identifiers: ClinVar variation 2070097 (VCV002070097.4), dbSNP rs1986257208, ClinGen allele CA408665896.